The following is an entry in ClinVar:

ClinVar aggregate classification (germline): Uncertain significance (1 of 4 stars; one submission).

Conditions:
Fanconi anemia (FA). Also called: Fanconi's anemia. Identifiers: Orphanet 84, MedGen C0015625, MeSH D005199, MONDO:0019391.

Submission:

Labcorp Genetics (formerly Invitae), Labcorp
Classification: Uncertain significance for Fanconi anemia. Last evaluated: 2023-08-28. Review status: criteria provided, single submitter. Criteria: Invitae Variant Classification Sherloc (09022015). Collection method: clinical testing. Allele origin: germline.
Comment: In summary, the available evidence is currently insufficient to determine the role of this variant in disease. Therefore, it has been classified as a Variant of Uncertain Significance. An algorithm developed to predict the effect of missense changes on protein structure and function (PolyPhen-2) suggests that this variant is likely to be disruptive. This variant has not been reported in the literature in individuals affected with SLX4-related conditions. This variant is not present in population databases (gnomAD no frequency). This sequence change replaces threonine, which is neutral and polar, with asparagine, which is neutral and polar, at codon 1648 of the SLX4 protein (p.Thr1648Asn).

NM_032444.4(SLX4):c.4943C>A (p.Thr1648Asn)

Gene: SLX4 (SLX4 structure-specific endonuclease subunit; minus strand). Cytogenetic location: 16p13.3.
Variant type: single nucleotide variant.
Coding change: c.4943C>A on transcript NM_032444.4 (MANE Select); coding-DNA position 4943, C replaced by A.
Protein change: p.Thr1648Asn; replaces threonine 1648 with asparagine.
Molecular consequence: missense variant.
Genome position (GRCh38, 1-based): chr16:3,583,307, G>T on the plus strand (C>A on the coding strand, the complement: SLX4 is on the minus strand). VCF-style: chr16-3583307-G-T. GRCh37 (hg19) VCF-style: chr16-3633308-G-T.
Other names: short protein forms T1648N.
Identifiers: ClinVar variation 2755844 (VCV002755844.3), dbSNP rs2548207251, ClinGen allele CA394515062.